The following is an entry in ClinVar:

ClinVar aggregate classification (germline): Likely pathogenic. Review status: criteria provided, multiple submitters, no conflicts (2 of 4 stars). 2 submissions from 2 submitters: Likely pathogenic (2). Last evaluated 2023-05-23.

Conditions:
Familial cancer of breast. Also called: BREAST CANCER, FAMILIAL; Hereditary breast cancer; hereditary breast carcinoma. Identifiers: Orphanet 227535, MedGen C0346153, MONDO:0016419, OMIM 114480. Disease mechanism: loss of function.

gnomAD v4.1: 1 of 1,601,644 alleles (0.000062%); highest among the groups gnomAD compares: Non-Finnish European, 0.000086%; no homozygotes.

Submissions (2):

Myriad Genetics, Inc.
Classification: Likely pathogenic for Familial cancer of breast. Last evaluated: 2023-05-23. Review status: criteria provided, single submitter. Criteria: Myriad Autosomal Dominant, Autosomal Recessive and X-Linked Classification Criteria (2023). Collection method: clinical testing. Allele origin: unknown.
Comment: This variant is considered likely pathogenic. This variant occurs within a consensus splice junction and is predicted to result in abnormal mRNA splicing of either an out-of-frame exon or an in-frame exon necessary for protein stability and/or normal function.

Labcorp Genetics (formerly Invitae), Labcorp
Classification: Likely pathogenic for Familial cancer of breast. Last evaluated: 2021-01-02. Review status: criteria provided, single submitter. Criteria: Invitae Variant Classification Sherloc (09022015). Collection method: clinical testing. Allele origin: germline.
Comment: This sequence change affects a donor splice site in intron 7 of the BARD1 gene. It is expected to disrupt mRNA splicing and likely results in an absent or disrupted protein product. In summary, donor and acceptor splice site variants are typically truncating (PMID: 16199547), and truncating variants in BARD1 are known to be pathogenic (PMID: 21344236, 22006311, 20077502). However, without additional functional and/or genetic data, this variant has been classified as Likely Pathogenic. This variant has not been reported in the literature in individuals with a BARD1-related disease.

Literature cited by the submitters: PubMed 16199547 (cited by Labcorp Genetics (formerly Invitae), Labcorp); PubMed 21344236 (cited by Labcorp Genetics (formerly Invitae), Labcorp); PubMed 22006311 (cited by Labcorp Genetics (formerly Invitae), Labcorp); PubMed 20077502 (cited by Labcorp Genetics (formerly Invitae), Labcorp).

NM_000465.4(BARD1):c.1677+1G>C

Gene: BARD1 (BRCA1 associated RING domain 1; minus strand). Cytogenetic location: 2q35.
Variant type: single nucleotide variant.
Coding change: c.1677+1G>C on transcript NM_000465.4 (MANE Select); the canonical splice donor site of the intron after coding-DNA position 1677, G replaced by C.
Molecular consequence: splice donor variant. On other transcripts: intron variant (1).
Genome position (GRCh38, 1-based): chr2:214,752,446, C>G on the plus strand (G>C on the coding strand, the complement: BARD1 is on the minus strand). VCF-style: chr2-214752446-C-G. GRCh37 (hg19) VCF-style: chr2-215617170-C-G.
Other names: c.267+1G>C (NM_001282548.2); c.1620+1G>C (NM_001282543.2); c.324+1G>C (NM_001282545.2); c.365-21938G>C (NM_001282549.2).
Identifiers: ClinVar variation 406791 (VCV000406791.11), dbSNP rs1060501310, ClinGen allele CA16610581.